The following is an entry in ClinVar:

NM_000400.4(ERCC2):c.1340T>G (p.Val447Gly)

Gene: ERCC2 (ERCC excision repair 2, TFIIH core complex helicase subunit; minus strand). Cytogenetic location: 19q13.32.
Variant type: single nucleotide variant.
Coding change: c.1340T>G on transcript NM_000400.4 (MANE Select); coding-DNA position 1340, T replaced by G.
Protein change: p.Val447Gly; replaces valine 447 with glycine.
Molecular consequence: missense variant.
Genome position (GRCh38, 1-based): chr19:45,357,511, A>C on the plus strand (T>G on the coding strand, the complement: ERCC2 is on the minus strand). VCF-style: chr19-45357511-A-C. GRCh37 (hg19) VCF-style: chr19-45860769-A-C.
Other names: short protein forms V447G.
Identifiers: ClinVar variation 1770365 (VCV001770365.2), dbSNP rs2514013354, ClinGen allele CA406367562.

ClinVar aggregate classification (germline): Uncertain significance (1 of 4 stars; one submission).

Conditions:
Inborn genetic diseases. Identifiers: MedGen C0950123, MeSH D030342.

Submission:

Ambry Genetics
Classification: Uncertain significance for Inborn genetic diseases. Last evaluated: 2021-12-11. Review status: criteria provided, single submitter. Criteria: Ambry Variant Classification Scheme 2023. Collection method: clinical testing. Allele origin: germline.
Comment: The p.V447G variant (also known as c.1340T>G), located in coding exon 14 of the ERCC2 gene, results from a T to G substitution at nucleotide position 1340. The valine at codon 447 is replaced by glycine, an amino acid with dissimilar properties. This amino acid position is conserved. In addition, this alteration is predicted to be deleterious by in silico analysis. Since supporting evidence is limited at this time, the clinical significance of this alteration remains unclear.